The following is an entry in ClinVar:

ClinVar aggregate classification (germline): Likely pathogenic (1 of 4 stars; one submission).

Conditions:
Breast-ovarian cancer, familial, susceptibility to, 1 (BROVCA1). Also called: BRCA1 Hereditary Breast and Ovarian Cancer; OVARIAN CANCER, SUSCEPTIBILITY TO. Identifiers: Orphanet 145, MedGen C2676676, MONDO:0011450, OMIM 604370. Disease mechanism: loss of function.

Submission:

Myriad Genetics, Inc.
Classification: Likely pathogenic for Breast-ovarian cancer, familial, susceptibility to, 1. Last evaluated: 2023-12-27. Review status: criteria provided, single submitter. Criteria: Myriad Autosomal Dominant, Autosomal Recessive and X-Linked Classification Criteria (2023). Collection method: clinical testing. Allele origin: unknown.
Comment: This variant is considered likely pathogenic. This variant creates a frameshift predicted to result in the incorporation of abnormal amino acid sequence into the protein product and abnormal protein elongation.

NM_007294.4(BRCA1):c.5551_5552insT (p.Asp1851fs)

Gene: BRCA1 (BRCA1 DNA repair associated; minus strand). Cytogenetic location: 17q21.31.
Variant type: Insertion.
Coding change: c.5551_5552insT on transcript NM_007294.4 (MANE Select); coding-DNA positions 5551 to 5552, T inserted.
Protein change: p.Asp1851fs; shifts the reading frame from aspartic acid 1851.
Molecular consequence: frameshift variant. On other transcripts: 3 prime UTR variant (17).
Genome position: GRCh38 VCF-style: chr17-43045718-T-TA. GRCh37 (hg19) VCF-style: chr17-41197735-T-TA.
Other names: c.5167_5168insT, p.Asp1723fs (NM_001407960.1, NM_001407962.1); c.5164_5165insT, p.Asp1722fs (NM_001407963.1); c.5089_5090insT, p.Asp1697fs (NM_001407964.1); c.5044_5045insT, p.Asp1682fs (NM_001407965.1); c.4663_4664insT, p.Asp1555fs (NM_001407966.1); c.4660_4661insT, p.Asp1554fs (NM_001407967.1); c.2947_2948insT, p.Asp983fs (NM_001407968.1); c.2944_2945insT, p.Asp982fs (NM_001407969.1); and 75 more; short protein forms D1697fs, D1740fs, D1767fs, D1779fs, D1783fs, D1803fs, D1804fs, D1809fs.
Identifiers: ClinVar variation 3148666 (VCV003148666.1), dbSNP rs2545898782, ClinGen allele CA2825002510.